The following is an entry in ClinVar:

NM_006005.3(WFS1):c.958_961delinsTCC (p.Pro320fs)

Gene: WFS1 (wolframin ER transmembrane glycoprotein; plus strand). Cytogenetic location: 4p16.1.
Variant type: Indel.
Coding change: c.958_961delinsTCC on transcript NM_006005.3 (MANE Select); coding-DNA positions 958 to 961, CCCA replaced by TCC.
Protein change: p.Pro320fs; shifts the reading frame from proline 320.
Molecular consequence: frameshift variant.
Genome position (GRCh38, 1-based): chr4:6,300,753-6,300,756, CCCA replaced by TCC. VCF-style: chr4-6300753-CCCA-TCC. GRCh37 (hg19) VCF-style: chr4-6302480-CCCA-TCC.
Other names: c.958_961delinsTCC, p.Pro320fs (NM_001145853.1); short protein forms P320fs.
Identifiers: ClinVar variation 2813809 (VCV002813809.3), dbSNP rs2474192155, ClinGen allele CA2586973601.
Genomic context (GRCh38, chr4:6,300,753, plus strand): 5'-AAGGAGTACCTGATTGACATGGCCTCCAGGGCAGGCATGCACTGGCTGTCCACCATCATC[CCCA>TCC]CGCACCACATCAACGCGCTCATCTTCTTCTTCATCGTCAGCAACCTCACCATCGACTTCT-3'

ClinVar aggregate classification (germline): Pathogenic (1 of 4 stars; one submission).

Submission:

Labcorp Genetics (formerly Invitae), Labcorp
Classification: Pathogenic. Last evaluated: 2022-11-12. Review status: criteria provided, single submitter. Criteria: Invitae Variant Classification Sherloc (09022015). Collection method: clinical testing. Allele origin: germline.
Comment: This premature translational stop signal has been observed in individual(s) with autosomal recessive Wolfram syndrome (PMID: 28432734). For these reasons, this variant has been classified as Pathogenic. This variant disrupts a region of the WFS1 protein in which other variant(s) (p.Pro885Leu) have been determined to be pathogenic (PMID: 10521293, 16806192, 28432734). This suggests that this is a clinically significant region of the protein, and that variants that disrupt it are likely to be disease-causing. Information on the frequency of this variant in the gnomAD database is not available, as this variant may be reported differently in the database. This sequence change creates a premature translational stop signal (p.Pro320Serfs*39) in the WFS1 gene. While this is not anticipated to result in nonsense mediated decay, it is expected to disrupt the last 571 amino acid(s) of the WFS1 protein.

Literature cited by the submitters: PubMed 28432734; PubMed 10521293; PubMed 16806192.